The following is an entry in ClinVar:

NM_012414.4(RAB3GAP2):c.1102G>A (p.Val368Ile)

Gene: RAB3GAP2 (RAB3 GTPase activating non-catalytic protein subunit 2; minus strand). Cytogenetic location: 1q41.
Variant type: single nucleotide variant.
Coding change: c.1102G>A on transcript NM_012414.4 (MANE Select); coding-DNA position 1102, G replaced by A.
Protein change: p.Val368Ile; replaces valine 368 with isoleucine.
Molecular consequence: missense variant.
Genome position (GRCh38, 1-based): chr1:220,195,106, C>T on the plus strand (G>A on the coding strand, the complement: RAB3GAP2 is on the minus strand). VCF-style: chr1-220195106-C-T. GRCh37 (hg19) VCF-style: chr1-220368448-C-T.
Other names: c.1102G>A (NM_012414.3); short protein forms V368I.
Identifiers: ClinVar variation 1969573 (VCV001969573.3), dbSNP rs758438512, ClinGen allele CA1402771.
Genomic context (GRCh38, chr1:220,195,106, plus strand): 5'-GGACTAAAATTTGGGAAGCATGACAGACTTGCCTTACAGCTAATGGGGTAGCTGGCTCAA[C>T]CTTCGGCTTTTGCTTTTGGACAGCTTCTTCTTCGTGCTTACTTTTCCAACCAAGCCAACC-3'
Protein context (NP_036546.2, residues 358-378): EEAVQKQKPK[Val368Ile]EPATPLAVRF

ClinVar aggregate classification (germline): Uncertain significance. Review status: criteria provided, multiple submitters, no conflicts (2 of 4 stars). 2 submissions from 2 submitters: Uncertain significance (2). Last evaluated 2025-02-13.

Conditions:
Warburg micro syndrome 2 (WARBM2). Also called: MICRO SYNDROME 2. Identifiers: Orphanet 2510, MedGen C3280214, MONDO:0013641, OMIM 614225.
Martsolf syndrome (MARTS). Also called: Congenital cataract with intellectual disability and hypogonadotropic hypogonadism syndrome. Identifiers: Orphanet 1387, MedGen C0796037, MONDO:0023910.
Inborn genetic diseases. Identifiers: MedGen C0950123, MeSH D030342.

Allele frequency attached by ClinVar (database versions not stated): gnomAD 0.00001; gnomAD exomes 0.00001; ExAC 0.00002; TOPMed 0.00002.
gnomAD v4.1: 5 of 1,614,024 alleles (0.00031%); highest among the groups gnomAD compares: Admixed American, 0.0083%; no homozygotes.

Submissions (2):

Ambry Genetics
Classification: Uncertain significance for Inborn genetic diseases. Last evaluated: 2025-02-13. Review status: criteria provided, single submitter. Criteria: Ambry Variant Classification Scheme 2023. Collection method: clinical testing. Allele origin: germline.

Labcorp Genetics (formerly Invitae), Labcorp
Classification: Uncertain significance for Martsolf syndrome; Warburg micro syndrome 2. Last evaluated: 2022-08-21. Review status: criteria provided, single submitter. Criteria: Invitae Variant Classification Sherloc (09022015). Collection method: clinical testing. Allele origin: germline.
Comment: This sequence change replaces valine, which is neutral and non-polar, with isoleucine, which is neutral and non-polar, at codon 368 of the RAB3GAP2 protein (p.Val368Ile). This variant is present in population databases (rs758438512, gnomAD 0.01%). This variant has not been reported in the literature in individuals affected with RAB3GAP2-related conditions. Algorithms developed to predict the effect of missense changes on protein structure and function (SIFT, PolyPhen-2, Align-GVGD) all suggest that this variant is likely to be tolerated. In summary, the available evidence is currently insufficient to determine the role of this variant in disease. Therefore, it has been classified as a Variant of Uncertain Significance.